The following is an entry in ClinVar:

NM_006302.3(MOGS):c.353-1G>A

Gene: MOGS (mannosyl-oligosaccharide glucosidase; minus strand). Cytogenetic location: 2p13.1.
Variant type: single nucleotide variant.
Coding change: c.353-1G>A on transcript NM_006302.3 (MANE Select); the canonical splice acceptor site of the intron before coding-DNA position 353, G replaced by A.
Molecular consequence: splice acceptor variant.
Genome position (GRCh38, 1-based): chr2:74,464,723, C>T on the plus strand (G>A on the coding strand, the complement: MOGS is on the minus strand). VCF-style: chr2-74464723-C-T. GRCh37 (hg19) VCF-style: chr2-74691850-C-T.
Other names: c.35-1G>A (NM_001146158.2).
Identifiers: ClinVar variation 1903342 (VCV001903342.5), dbSNP rs2529503989, ClinGen allele CA347382244.
Genomic context (GRCh38, chr2:74,464,723, plus strand): 5'-CACACGTGTGCCTGAGCTTAGGAGTCCCCGGGGTGGTGCCCTGCTGCGCCCACATCAGTC[C>T]TGGGGGTAGAATGGCCACGTAAGTCAAAGAGCAGGGGACCTGTCCCTCCGGGTCTCCGGG-3'

ClinVar aggregate classification (germline): Likely pathogenic (1 of 4 stars; one submission).

Conditions:
MOGS-congenital disorder of glycosylation. Also called: CDG IIb; CDG 2B; GLUCOSIDASE I DEFICIENCY; MOGS-CDG. Identifiers: Orphanet 79330, MedGen C1853736, MONDO:0011629, OMIM 606056.

Submission:

Labcorp Genetics (formerly Invitae), Labcorp
Classification: Likely pathogenic for MOGS-congenital disorder of glycosylation. Last evaluated: 2022-10-09. Review status: criteria provided, single submitter. Criteria: Invitae Variant Classification Sherloc (09022015). Collection method: clinical testing. Allele origin: germline.
Comment: In summary, the currently available evidence indicates that the variant is pathogenic, but additional data are needed to prove that conclusively. Therefore, this variant has been classified as Likely Pathogenic. Algorithms developed to predict the effect of sequence changes on RNA splicing suggest that this variant may disrupt the consensus splice site. This variant has not been reported in the literature in individuals affected with MOGS-related conditions. This variant is not present in population databases (gnomAD no frequency). This sequence change affects an acceptor splice site in intron 1 of the MOGS gene. It is expected to disrupt RNA splicing. Variants that disrupt the donor or acceptor splice site typically lead to a loss of protein function (PMID: 16199547), and loss-of-function variants in MOGS are known to be pathogenic (PMID: 24716661, 26805780).

Literature cited by the submitters: PubMed 16199547; PubMed 24716661; PubMed 26805780.